The following is an entry in ClinVar:

NM_003184.4(TAF2):c.3146A>G (p.Asp1049Gly)

Gene: TAF2 (TATA-box binding protein associated factor 2; minus strand). Cytogenetic location: 8q24.12.
Variant type: single nucleotide variant.
Coding change: c.3146A>G on transcript NM_003184.4 (MANE Select); coding-DNA position 3146, A replaced by G.
Protein change: p.Asp1049Gly; replaces aspartic acid 1049 with glycine.
Molecular consequence: missense variant.
Genome position (GRCh38, 1-based): chr8:119,744,356, T>C on the plus strand (A>G on the coding strand, the complement: TAF2 is on the minus strand). VCF-style: chr8-119744356-T-C. GRCh37 (hg19) VCF-style: chr8-120756596-T-C.
Other names: short protein forms D1049G.
Identifiers: ClinVar variation 2010793 (VCV002010793.4), dbSNP rs752834699, ClinGen allele CA371886279.

ClinVar aggregate classification (germline): Uncertain significance (1 of 4 stars; one submission).

Submission:

Labcorp Genetics (formerly Invitae), Labcorp
Classification: Uncertain significance. Last evaluated: 2022-08-07. Review status: criteria provided, single submitter. Criteria: Invitae Variant Classification Sherloc (09022015). Collection method: clinical testing. Allele origin: germline.
Comment: In summary, the available evidence is currently insufficient to determine the role of this variant in disease. Therefore, it has been classified as a Variant of Uncertain Significance. Algorithms developed to predict the effect of missense changes on protein structure and function (SIFT, PolyPhen-2, Align-GVGD) all suggest that this variant is likely to be tolerated. This variant has not been reported in the literature in individuals affected with TAF2-related conditions. This variant is not present in population databases (gnomAD no frequency). This sequence change replaces aspartic acid, which is acidic and polar, with glycine, which is neutral and non-polar, at codon 1049 of the TAF2 protein (p.Asp1049Gly).